The following is an entry in ClinVar:

NM_177438.3(DICER1):c.3079_3080dup (p.Gln1028fs)

Gene: DICER1 (dicer 1, ribonuclease III; minus strand). Cytogenetic location: 14q32.13.
Variant type: Duplication.
Coding change: c.3079_3080dup on transcript NM_177438.3 (MANE Select); coding-DNA positions 3079 to 3080, 2 bases duplicated (CT; older notation c.3079_3080dupCT).
Protein change: p.Gln1028fs; shifts the reading frame from glutamine 1028.
Molecular consequence: frameshift variant.
Genome position (GRCh38, 1-based): chr14:95,105,691-95,105,692, AG duplicated on the plus strand (CT on the coding strand, the reverse complement: DICER1 is on the minus strand); duplicating any 2 consecutive bases within chr14:95,105,691-95,105,693 gives the same sequence; the c. name uses the placement nearest the transcript's 3' end. VCF-style (leftmost placement, unchanged base first): chr14-95105690-C-CAG. GRCh37 (hg19) VCF-style: chr14-95572027-C-CAG.
Other names: c.3079_3080dup, p.Gln1028fs (NM_001195573.1, NM_001271282.3, NM_001291628.2 and 1 more transcripts); short protein forms Q1028fs.
Identifiers: ClinVar variation 933107 (VCV000933107.3), dbSNP rs1891354217, ClinGen allele CA1139663641.

ClinVar aggregate classification (germline): Pathogenic (1 of 4 stars; one submission).

Conditions:
DICER1-related tumor predisposition. Also called: DICER1-related pleuropulmonary blastoma cancer predisposition syndrome; DICER1 syndrome. Identifiers: Orphanet 284343, MedGen C3839822, MONDO:0100216.

Submission:

Foulkes Cancer Genetics LDI, Lady Davis Institute for Medical Research
Classification: Pathogenic for Pleuropulmonary blastoma. Last evaluated: 2019-07-01. Review status: criteria provided, single submitter. Criteria: ACMG Guidelines, 2015. Collection method: curation. Allele origin: somatic. Affected: yes. Observed: 1 variant allele.
Comment: ACMG criteria met: PVS1, PM2, PP4

Literature cited by the submitters: PubMed 28654427.